The following is an entry in ClinVar:

NM_022841.7(RFX7):c.425A>G (p.Tyr142Cys)

Gene: RFX7 (regulatory factor X7; minus strand). Cytogenetic location: 15q21.3.
Variant type: single nucleotide variant.
Coding change: c.425A>G on transcript NM_022841.7 (MANE Select); coding-DNA position 425, A replaced by G.
Protein change: p.Tyr142Cys; replaces tyrosine 142 with cysteine.
Molecular consequence: missense variant.
Genome position (GRCh38, 1-based): chr15:56,103,647, T>C on the plus strand (A>G on the coding strand, the complement: RFX7 is on the minus strand). VCF-style: chr15-56103647-T-C. GRCh37 (hg19) VCF-style: chr15-56395845-T-C.
Other names: c.134A>G, p.Tyr45Cys (NM_001368073.2, NM_001368074.1, NM_001370554.1); c.425A>G, p.Tyr142Cys (NM_001370561.1); short protein forms Y142C, Y45C.
Identifiers: ClinVar variation 4278557 (VCV004278557.1).

ClinVar aggregate classification (germline): Uncertain significance (1 of 4 stars; one submission).

Submission:

GeneDx
Classification: Uncertain significance. Last evaluated: 2025-04-05. Review status: criteria provided, single submitter. Criteria: GeneDx Variant Classification Process June 2021. Collection method: clinical testing. Allele origin: germline. Affected: yes.
Comment: Not observed at significant frequency in large population cohorts (gnomAD); In silico analysis indicates that this missense variant does not alter protein structure/function; Has not been previously published as pathogenic or benign to our knowledge.